The following is an entry in ClinVar:

ClinVar aggregate classification (germline): Uncertain significance. Review status: criteria provided, multiple submitters, no conflicts (2 of 4 stars). 2 submissions from 2 submitters: Uncertain significance (2). Last evaluated 2018-05-26.

Allele frequency attached by ClinVar (database versions not stated): ExAC 0.00001; gnomAD exomes 0.00001; TOPMed 0.00003; gnomAD 0.00004 and 0.00005; 1000 Genomes Project 30x 0.00016; 1000 Genomes Project 0.00020.
gnomAD v4.1: 17 of 1,613,894 alleles (0.0011%); highest among the groups gnomAD compares: African/African-American, 0.012%; no homozygotes.

Submissions (2):

Labcorp Genetics (formerly Invitae), Labcorp
Classification: Uncertain significance. Last evaluated: 2018-05-26. Review status: criteria provided, single submitter. Criteria: Invitae Variant Classification Sherloc (09022015). Collection method: clinical testing. Allele origin: germline.
Comment: In summary, the available evidence is currently insufficient to determine the role of this variant in disease. Therefore, it has been classified as a Variant of Uncertain Significance. Algorithms developed to predict the effect of missense changes on protein structure and function are either unavailable or do not agree on the potential impact of this missense change (SIFT: "Deleterious"; PolyPhen-2: "Probably Damaging"; Align-GVGD: "Class C0"). This sequence change replaces arginine with histidine at codon 214 of the NEU1 protein (p.Arg214His). The arginine residue is highly conserved and there is a small physicochemical difference between arginine and histidine. The frequency data for this variant in the population databases is considered unreliable, as metrics indicate poor data quality at this position in the ExAC database. This variant has not been reported in the literature in individuals with NEU1-related disease. ClinVar contains an entry for this variant (Variation ID: 499245).

Eurofins Ntd Llc (ga)
Classification: Uncertain significance. Last evaluated: 2016-12-20. Review status: criteria provided, single submitter. Criteria: EGL Classification Definitions 2015. Collection method: clinical testing. Allele origin: germline. Observed: 1 variant allele, 1 heterozygote.

NM_000434.4(NEU1):c.641G>A (p.Arg214His)

Gene: NEU1 (neuraminidase 1; minus strand). Cytogenetic location: 6p21.33.
Variant type: single nucleotide variant.
Coding change: c.641G>A on transcript NM_000434.4 (MANE Select); coding-DNA position 641, G replaced by A.
Protein change: p.Arg214His; replaces arginine 214 with histidine.
Molecular consequence: missense variant.
Genome position (GRCh38, 1-based): chr6:31,860,596, C>T on the plus strand (G>A on the coding strand, the complement: NEU1 is on the minus strand). VCF-style: chr6-31860596-C-T. GRCh37 (hg19) VCF-style: chr6-31828373-C-T.
Other names: short protein forms R214H.
Identifiers: ClinVar variation 499245 (VCV000499245.13), dbSNP rs570314472, ClinGen allele CA3724992.